The following is an entry in ClinVar:

ClinVar aggregate classification (germline): Uncertain significance (1 of 4 stars; one submission).

Conditions:
Amyotrophic lateral sclerosis type 21. Also called: VOCAL CORD AND PHARYNGEAL DYSFUNCTION WITH DISTAL MYOPATHY; MYOPATHY, DISTAL, 2. Identifiers: Orphanet 600, Orphanet 803, MedGen C3807521, MONDO:0011632, OMIM 606070.

Allele frequency attached by ClinVar (database versions not stated): gnomAD exomes below 0.00001.
gnomAD v4.1: 1 of 1,614,062 alleles (0.000062%); highest among the groups gnomAD compares: Non-Finnish European, 0.000085%; no homozygotes.

Submission:

Labcorp Genetics (formerly Invitae), Labcorp
Classification: Uncertain significance for Amyotrophic lateral sclerosis type 21. Last evaluated: 2022-06-24. Review status: criteria provided, single submitter. Criteria: Invitae Variant Classification Sherloc (09022015). Collection method: clinical testing. Allele origin: germline.
Comment: Algorithms developed to predict the effect of missense changes on protein structure and function are either unavailable or do not agree on the potential impact of this missense change (SIFT: "Deleterious"; PolyPhen-2: "Benign"; Align-GVGD: "Class C0"). In summary, the available evidence is currently insufficient to determine the role of this variant in disease. Therefore, it has been classified as a Variant of Uncertain Significance. This variant has not been reported in the literature in individuals affected with MATR3-related conditions. This sequence change replaces aspartic acid, which is acidic and polar, with glycine, which is neutral and non-polar, at codon 452 of the MATR3 protein (p.Asp452Gly). This variant is not present in population databases (gnomAD no frequency).

NM_018834.6(MATR3):c.1355A>G (p.Asp452Gly)

Gene: MATR3 (matrin 3; plus strand). Cytogenetic location: 5q31.2.
Variant type: single nucleotide variant.
Coding change: c.1355A>G on transcript NM_018834.6 (MANE Select); coding-DNA position 1355, A replaced by G.
Protein change: p.Asp452Gly; replaces aspartic acid 452 with glycine.
Molecular consequence: missense variant.
Genome position (GRCh38, 1-based): chr5:139,318,954, A>G. VCF-style: chr5-139318954-A-G. GRCh37 (hg19) VCF-style: chr5-138654643-A-G.
Other names: c.1355A>G, p.Asp452Gly (NM_001194954.2, NM_001194955.2, NM_001400441.1 and 16 more transcripts); c.491A>G, p.Asp164Gly (NM_001194956.2); c.341A>G, p.Asp114Gly (NM_001282278.2, NM_001400460.1, NM_001400462.1 and 5 more transcripts); c.494A>G, p.Asp165Gly (NM_001400459.1); c.455A>G, p.Asp152Gly (NM_001400461.1); short protein forms D164G, D152G, D165G, D114G, D452G.
Identifiers: ClinVar variation 2010409 (VCV002010409.4), dbSNP rs2546832342, ClinGen allele CA361140836.